The following is an entry in ClinVar:

ClinVar aggregate classification (germline): Pathogenic. Review status: criteria provided, multiple submitters, no conflicts (2 of 4 stars). 5 submissions from 5 submitters: Pathogenic (3). 2 of the submissions do not count toward it. Last evaluated 2025-01-13.

Conditions:
BETA-PLUS-THALASSEMIA. Identifiers: MedGen C3841475.
beta Thalassemia (BTHAL). Also called: Cooley's anemia; Erythroblastic anemia; Mediterranean anemia. Identifiers: Orphanet 848, MedGen C0005283, MONDO:0019402. Disease mechanism: loss of function.

Submissions (5):

Natera, Inc.
Classification: Pathogenic for Beta thalassemia. Last evaluated: 2025-01-13. Review status: criteria provided, single submitter. Criteria: Natera Variant Classification Schema (03/2026). Collection method: clinical testing. Allele origin: germline.
Comment: The c.-80T>C variant in HBB is a 5' untranslated region (UTR) variant located upstream of the translation start codon. This variant is rare in the general population with a frequency below the threshold expected for the associated phenotype(s). This variant has been observed in one or more individuals affected with the associated recessive disease, as either homozygous or compound heterozygous with a second variant (PMID: 2741940, 27828729). Given the available evidence, this variant is classified as Pathogenic.

Quest Diagnostics Nichols Institute San Juan Capistrano
Classification: Pathogenic. Last evaluated: 2024-05-09. Review status: criteria provided, single submitter. Criteria: Quest Diagnostics criteria. Collection method: clinical testing. Allele origin: unknown.
Comment: The HBB c.-80T>C variant has been reported in the published literature to be located in the TATA box promoter region of the HBB gene which is crucial to proper RNA binding and transcription (PMID: 2741940 (1989), 28385923 (2017)). Additionally, this variant has been seen in individuals with beta thalassemia who were compound heterozygous for an additional HBB pathogenic variant, suggesting this variant plays a role in development of disease (PMID: 20406103 (2010), and HbVar). The variant has been noted to lead to ineffective erythropoiesis (HbVar). This variant has not been reported in large, multi-ethnic general populations (Genome Aggregation Database). Based on the available information, this variant is classified as pathogenic.

Women's Health and Genetics/Laboratory Corporation of America, LabCorp
Classification: Pathogenic for beta Thalassemia. Last evaluated: 2023-12-08. Review status: criteria provided, single submitter. Criteria: LabCorp Variant Classification Summary - May 2015. Collection method: clinical testing. Allele origin: germline.
Comment: Variant summary: HBB c.-80T>C is located in the untranscribed region upstream of the HBB gene region. The variant was absent in 249250 control chromosomes (gnomAD). c.-80T>C has been reported in the literature in multiple individuals affected with Beta Thalassemia (Cai_1989, Ayub_2010, Xiong_2011, Panja_2017), and some were compound heterozygous with other pathogenic variants. These data indicate that the variant is very likely to be associated with disease. At least one publication reports experimental evidence evaluating an impact on promoter activity, finding that the variant significantly reduces gene expression (Kircher_2019). The following publications have been ascertained in the context of this evaluation (PMID: 2741940, 27828729, 20406103, 31395865, 21704277). Three submitters have cited clinical-significance assessments for this variant to ClinVar after 2014. All submitters classified the variant as pathogenic. Based on the evidence outlined above, the variant was classified as pathogenic.

The ITHANET community portal, The Cyprus Institute of Neurology and Genetics
Classification: Pathogenic for beta Thalassemia. Last evaluated: 2019-11-25. Review status: no assertion criteria provided. Collection method: curation. Allele origin: germline. Not counted in ClinVar's aggregate classification.

OMIM
Classification: Pathogenic for BETA-PLUS-THALASSEMIA. Last evaluated: 2017-12-12. Review status: no assertion criteria provided. Collection method: literature only. Allele origin: germline. Not counted in ClinVar's aggregate classification.

Literature cited by the submitters: PubMed 2741940 (cited by 4 submitters); PubMed 27828729 (cited by Natera, Inc. and Women's Health and Genetics/Laboratory Corporation of America, LabCorp); PubMed 20406103 (cited by Quest Diagnostics Nichols Institute San Juan Capistrano and Women's Health and Genetics/Laboratory Corporation of America, LabCorp); PubMed 21704277 (cited by Quest Diagnostics Nichols Institute San Juan Capistrano and Women's Health and Genetics/Laboratory Corporation of America, LabCorp); PubMed 21423179 (cited by Quest Diagnostics Nichols Institute San Juan Capistrano); PubMed 31395865 (cited by Quest Diagnostics Nichols Institute San Juan Capistrano and Women's Health and Genetics/Laboratory Corporation of America, LabCorp); PubMed 2298920 (cited by OMIM).

NM_000518.5(HBB):c.-80T>C

Genes: HBB (hemoglobin subunit beta; minus strand), LOC106099062 (HBB recombination region; plus strand), LOC107133510 (origin of replication at HBB; plus strand). Cytogenetic location: 11p15.4.
Variant type: single nucleotide variant.
Coding change: c.-80T>C on transcript NM_000518.5 (MANE Select); 80 bases upstream of the start codon, T replaced by C.
Genome position (GRCh38, 1-based): chr11:5,227,101, A>G on the plus strand (T>C on the coding strand, the complement: HBB is on the minus strand). VCF-style: chr11-5227101-A-G. GRCh37 (hg19) VCF-style: chr11-5248331-A-G.
Other names: -30 (T>C); -30T-C, PROMOTER.
Identifiers: ClinVar variation 869290 (VCV000869290.5), dbSNP rs33980857, ClinGen allele CA217115773.